The following is an entry in ClinVar:

NM_000161.3(GCH1):c.193G>C (p.Glu65Gln)

Gene: GCH1 (GTP cyclohydrolase 1; minus strand). Cytogenetic location: 14q22.2.
Variant type: single nucleotide variant.
Coding change: c.193G>C on transcript NM_000161.3 (MANE Select); coding-DNA position 193, G replaced by C.
Protein change: p.Glu65Gln; replaces glutamic acid 65 with glutamine.
Molecular consequence: missense variant.
Genome position (GRCh38, 1-based): chr14:54,902,471, C>G on the plus strand (G>C on the coding strand, the complement: GCH1 is on the minus strand). VCF-style: chr14-54902471-C-G. GRCh37 (hg19) VCF-style: chr14-55369189-C-G.
Other names: c.193G>C (NM_000161.2); c.193G>C, p.Glu65Gln (NM_001024024.2, NM_001024070.2, NM_001024071.2); short protein forms E65Q.
Identifiers: ClinVar variation 1372378 (VCV001372378.4), dbSNP rs1281386674, ClinGen allele CA389793992.

ClinVar aggregate classification (germline): Uncertain significance. Review status: criteria provided, multiple submitters, no conflicts (2 of 4 stars). 2 submissions from 2 submitters: Uncertain significance (2). Last evaluated 2024-11-23.

Conditions:
Inborn genetic diseases. Identifiers: MedGen C0950123, MeSH D030342.
Dystonia 5 (DRD). Also called: GTP Cyclohydrolase 1-Deficient Dopa-Responsive Dystonia; DYSTONIA, PROGRESSIVE, WITH DIURNAL VARIATION; DYSTONIA-PARKINSONISM WITH DIURNAL FLUCTUATION; Dystonia, DOPA-responsive, with or without hyperphenylalaninemia; DYT-GCH1. Identifiers: Orphanet 98808, MedGen C1851920, MONDO:0007495, OMIM 128230.
GTP cyclohydrolase I deficiency. Identifiers: MedGen C0268467, MONDO:0100184.

Allele frequency attached by ClinVar (database versions not stated): gnomAD exomes 0.00001; gnomAD 0.00002; TOPMed 0.00003.
gnomAD v4.1: 18 of 1,612,088 alleles (0.0011%); highest among the groups gnomAD compares: Admixed American, 0.005%; no homozygotes.

Submissions (2):

Ambry Genetics
Classification: Uncertain significance for Inborn genetic diseases. Last evaluated: 2024-11-23. Review status: criteria provided, single submitter. Criteria: Ambry Variant Classification Scheme 2023. Collection method: clinical testing. Allele origin: germline.

Labcorp Genetics (formerly Invitae), Labcorp
Classification: Uncertain significance for GTP cyclohydrolase I deficiency; Dystonia 5. Last evaluated: 2022-07-05. Review status: criteria provided, single submitter. Criteria: Invitae Variant Classification Sherloc (09022015). Collection method: clinical testing. Allele origin: germline.
Comment: This sequence change replaces glutamic acid, which is acidic and polar, with glutamine, which is neutral and polar, at codon 65 of the GCH1 protein (p.Glu65Gln). This variant is present in population databases (no rsID available, gnomAD 0.003%). This variant has not been reported in the literature in individuals affected with GCH1-related conditions. ClinVar contains an entry for this variant (Variation ID: 1372378). Advanced modeling of protein sequence and biophysical properties (such as structural, functional, and spatial information, amino acid conservation, physicochemical variation, residue mobility, and thermodynamic stability) performed at Invitae indicates that this missense variant is not expected to disrupt GCH1 protein function. In summary, the available evidence is currently insufficient to determine the role of this variant in disease. Therefore, it has been classified as a Variant of Uncertain Significance.